The following is an entry in ClinVar:

NM_020778.5(ALPK3):c.2177A>G (p.Gln726Arg)

Gene: ALPK3 (alpha kinase 3; plus strand). Cytogenetic location: 15q25.3.
Variant type: single nucleotide variant.
Coding change: c.2177A>G on transcript NM_020778.5 (MANE Select); coding-DNA position 2177, A replaced by G.
Protein change: p.Gln726Arg; replaces glutamine 726 with arginine.
Molecular consequence: missense variant.
Genome position (GRCh38, 1-based): chr15:84,856,915, A>G. VCF-style: chr15-84856915-A-G. GRCh37 (hg19) VCF-style: chr15-85400146-A-G.
Other names: p.Gln928Arg; short protein forms Q928R, Q726R.
Identifiers: ClinVar variation 386369 (VCV000386369.24), dbSNP rs78778733, ClinGen allele CA7709355.

ClinVar aggregate classification (germline): Benign. Review status: criteria provided, multiple submitters, no conflicts (2 of 4 stars). 12 submissions from 12 submitters: Benign (8). 4 of the submissions do not count toward it. Last evaluated 2026-03-27.

Conditions:
ALPK3-related disorder. Also called: ALPK3-related condition.
Cardiomyopathy, familial hypertrophic 27. Identifiers: MedGen C4748014, MONDO:0054838, OMIM 618052.
Cardiovascular phenotype. Identifiers: MedGen CN230736.

Allele frequency attached by ClinVar (database versions not stated): gnomAD 0.01836 and 0.01729; ExAC 0.00580; TOPMed 0.02011; 1000 Genomes Project 30x 0.02171; gnomAD exomes 0.00175 and 0.00488; 1000 Genomes Project 0.01957; ESP Exome Variant Server 0.01976.
gnomAD v4.1: 5,330 of 1,614,022 alleles (0.33%); highest among the groups gnomAD compares: African/African-American, 5.8%; 137 homozygotes.

Submissions (12):

Molecular Diagnostic Laboratory for Inherited Cardiovascular Disease, Montreal Heart Institute
Classification: Benign. Last evaluated: 2026-03-27. Review status: criteria provided, single submitter. Criteria: ACMG Guidelines, 2015. Collection method: clinical testing. Allele origin: germline. Affected: no.

Labcorp Genetics (formerly Invitae), Labcorp
Classification: Benign. Last evaluated: 2026-02-04. Review status: criteria provided, single submitter. Criteria: Invitae Variant Classification Sherloc (09022015). Collection method: clinical testing. Allele origin: germline.

ARUP Laboratories, Molecular Genetics and Genomics, ARUP Laboratories
Classification: Benign for Cardiomyopathy, familial hypertrophic 27. Last evaluated: 2025-06-02. Review status: criteria provided, single submitter. Criteria: ARUP Molecular Germline Variant Investigation Process 2024. Collection method: clinical testing. Allele origin: germline.

Women's Health and Genetics/Laboratory Corporation of America, LabCorp
Classification: Benign. Last evaluated: 2023-10-31. Review status: criteria provided, single submitter. Criteria: LabCorp Variant Classification Summary - May 2015. Collection method: clinical testing. Allele origin: germline.
Comment: Variant summary: ALPK3 c.2177A>G (p.Gln726Arg) results in a conservative amino acid change in the encoded protein sequence. Four of four in-silico tools predict a benign effect of the variant on protein function. The variant allele was found at a frequency of 0.0049 in 251216 control chromosomes, predominantly at a frequency of 0.062 within the African or African-American subpopulation in the gnomAD database, including 32 homozygotes. The observed variant frequency within African or African-American control individuals in the gnomAD database is approximately 9 fold of the estimated maximal expected allele frequency for a pathogenic variant in ALPK3 causing Cardiomyopathy phenotype (0.0071), strongly suggesting that the variant is a benign polymorphism found primarily in populations of African or African-American origin. To our knowledge, no occurrence of c.2177A>G in individuals affected with Cardiomyopathy and no experimental evidence demonstrating its impact on protein function have been reported. Three submitters have cited clinical-significance assessments for this variant to ClinVar after 2014. All submitters classified the variant as benign. Based on the evidence outlined above, the variant was classified as benign.

Mayo Clinic Laboratories, Mayo Clinic
Classification: Benign. Last evaluated: 2023-04-06. Review status: criteria provided, single submitter. Criteria: ACMG Guidelines, 2015. Collection method: clinical testing. Allele origin: germline. Observed: 14 variant alleles.

Ambry Genetics
Classification: Benign for Cardiovascular phenotype. Last evaluated: 2018-12-19. Review status: criteria provided, single submitter. Criteria: Ambry Variant Classification Scheme 2023. Collection method: clinical testing. Allele origin: germline.

GeneDx
Classification: Benign. Last evaluated: 2016-10-06. Review status: criteria provided, single submitter. Criteria: GeneDx Variant Classification (06012015). Collection method: clinical testing. Allele origin: germline. Affected: yes.
Comment: This variant is considered likely benign or benign based on one or more of the following criteria: it is a conservative change, it occurs at a poorly conserved position in the protein, it is predicted to be benign by multiple in silico algorithms, and/or has population frequency not consistent with disease.

Breakthrough Genomics
Classification: Benign. Review status: criteria provided, single submitter. Criteria: ACMG Guidelines, 2015. Collection method: not provided. Allele origin: germline. Inheritance: Autosomal recessive inheritance. Affected: yes.

PreventionGenetics, part of Exact Sciences
Classification: Benign for ALPK3-related condition. Last evaluated: 2019-08-15. Review status: no assertion criteria provided. Collection method: clinical testing. Allele origin: germline. Not counted in ClinVar's aggregate classification.
Comment: This variant is classified as benign based on ACMG/AMP sequence variant interpretation guidelines (Richards et al. 2015 PMID: 25741868, with internal and published modifications).

Clinical Genetics DNA and cytogenetics Diagnostics Lab, Erasmus MC, Erasmus Medical Center
Classification: Benign. Review status: no assertion criteria provided. Collection method: clinical testing. Allele origin: germline. Affected: yes. Study: VKGL Data-share Consensus. Not counted in ClinVar's aggregate classification.

Clinical Genetics, Academic Medical Center
Classification: Benign. Review status: no assertion criteria provided. Collection method: clinical testing. Allele origin: germline. Affected: yes. Study: VKGL Data-share Consensus. Not counted in ClinVar's aggregate classification.

Laboratory of Diagnostic Genome Analysis, Leiden University Medical Center (LUMC)
Classification: Likely benign. Review status: no assertion criteria provided. Collection method: clinical testing. Allele origin: germline. Affected: yes. Study: VKGL Data-share Consensus. Not counted in ClinVar's aggregate classification.